The following is an entry in ClinVar:

NM_201384.3(PLEC):c.5132C>T (p.Ala1711Val)

Gene: PLEC (plectin; minus strand). Cytogenetic location: 8q24.3.
Variant type: single nucleotide variant.
Coding change: c.5132C>T on transcript NM_201384.3 (MANE Select); coding-DNA position 5132, C replaced by T.
Protein change: p.Ala1711Val; replaces alanine 1711 with valine.
Molecular consequence: missense variant.
Genome position (GRCh38, 1-based): chr8:143,924,797, G>A on the plus strand (C>T on the coding strand, the complement: PLEC is on the minus strand). VCF-style: chr8-143924797-G-A. GRCh37 (hg19) VCF-style: chr8-144998965-G-A.
Other names: c.5213C>T, p.Ala1738Val (NM_000445.5); c.5090C>T, p.Ala1697Val (NM_201378.4); c.5066C>T, p.Ala1689Val (NM_201379.3); c.5543C>T, p.Ala1848Val (NM_201380.4); c.5036C>T, p.Ala1679Val (NM_201381.3); c.5132C>T, p.Ala1711Val (NM_201382.4); c.5144C>T, p.Ala1715Val (NM_201383.3); short protein forms A1738V, A1848V, A1689V, A1715V, A1697V, A1711V, A1679V.
Identifiers: ClinVar variation 2398196 (VCV002398196.6), dbSNP rs782732181, ClinGen allele CA4926421.

ClinVar aggregate classification (germline): Uncertain significance. Review status: criteria provided, multiple submitters, no conflicts (2 of 4 stars). 3 submissions from 3 submitters: Uncertain significance (3). Last evaluated 2025-12-22.

Conditions:
Epidermolysis bullosa simplex 5B, with muscular dystrophy (EBS5B). Also called: Epidermolysis bullosa simplex with muscular dystrophy; EPIDERMOLYSIS BULLOSA SIMPLEX AND LIMB-GIRDLE MUSCULAR DYSTROPHY. Identifiers: Orphanet 257, MedGen C2931072, MONDO:0009181, OMIM 226670.
Epidermolysis bullosa simplex 5C, with pyloric atresia (EBS5C). Also called: PLEC-Related Epidermolysis Bullosa with Pyloric Atresia; Epidermolysis bullosa simplex with pyloric atresia; PLEC1-Related Epidermolysis Bullosa with Pyloric Atresia. Identifiers: Orphanet 158684, MedGen C2677349, MONDO:0012807, OMIM 612138.
Autosomal recessive limb-girdle muscular dystrophy type 2Q (LGMDR17). Also called: MUSCULAR DYSTROPHY, LIMB-GIRDLE, AUTOSOMAL RECESSIVE 17. Identifiers: Orphanet 254361, MedGen C3150989, MONDO:0013390, OMIM 613723.
Epidermolysis bullosa simplex with nail dystrophy (EBS5D). Identifiers: MedGen C4225309, MONDO:0014661, OMIM 616487.
Epidermolysis bullosa simplex, Ogna type (EBS5A). Also called: Pidermolysis bullosa simplex 5A, Ogna type; EPIDERMOLYSIS BULLOSA SIMPLEX 5A, OGNA TYPE. Identifiers: Orphanet 79401, MedGen C0432317, MONDO:0007555, OMIM 131950.
Inborn genetic diseases. Identifiers: MedGen C0950123, MeSH D030342.

Allele frequency attached by ClinVar (database versions not stated): gnomAD 0.00001; gnomAD exomes 0.00001; TOPMed 0.00001.

Submissions (3):

Labcorp Genetics (formerly Invitae), Labcorp
Classification: Uncertain significance for Autosomal recessive limb-girdle muscular dystrophy type 2Q; Epidermolysis bullosa simplex, Ogna type; Epidermolysis bullosa simplex with nail dystrophy; Epidermolysis bullosa simplex 5C, with pyloric atresia; Epidermolysis bullosa simplex 5B, with muscular dystrophy. Last evaluated: 2025-12-22. Review status: criteria provided, single submitter. Criteria: Invitae Variant Classification Sherloc (09022015). Collection method: clinical testing. Allele origin: germline.
Comment: This sequence change replaces alanine, which is neutral and non-polar, with valine, which is neutral and non-polar, at codon 1738 of the PLEC protein (p.Ala1738Val). This variant is present in population databases (rs782732181, gnomAD 0.008%). This variant has not been reported in the literature in individuals affected with PLEC-related conditions. ClinVar contains an entry for this variant (Variation ID: 2398196). Experimental studies and prediction algorithms are not available or were not evaluated, and the functional significance of this variant is currently unknown. In summary, the available evidence is currently insufficient to determine the role of this variant in disease. Therefore, it has been classified as a Variant of Uncertain Significance.

Revvity Omics, Revvity
Classification: Uncertain significance. Last evaluated: 2023-03-27. Review status: criteria provided, single submitter. Criteria: ACMG Guidelines, 2015. Collection method: clinical testing. Allele origin: germline.

Ambry Genetics
Classification: Uncertain significance for Inborn genetic diseases. Last evaluated: 2022-03-23. Review status: criteria provided, single submitter. Criteria: Ambry Variant Classification Scheme 2023. Collection method: clinical testing. Allele origin: germline.